The following is an entry in ClinVar:

NM_030665.4(RAI1):c.1332C>T (p.Asn444=)

Gene: RAI1 (retinoic acid induced 1; plus strand). Cytogenetic location: 17p11.2.
Variant type: single nucleotide variant.
Coding change: c.1332C>T on transcript NM_030665.4 (MANE Select); coding-DNA position 1332, C replaced by T.
Protein change: p.Asn444=; no amino-acid change (asparagine 444 retained).
Molecular consequence: synonymous variant.
Genome position (GRCh38, 1-based): chr17:17,794,280, C>T. VCF-style: chr17-17794280-C-T. GRCh37 (hg19) VCF-style: chr17-17697594-C-T.
Other names: c.1332C>T (NM_030665.3).
Identifiers: ClinVar variation 2902546 (VCV002902546.4), dbSNP rs539433443, ClinGen allele CA8418315.

ClinVar aggregate classification (germline): Benign/Likely benign. Review status: criteria provided, multiple submitters, no conflicts (2 of 4 stars). 2 submissions from 2 submitters: Benign (1); Likely benign (1). Last evaluated 2026-05-21.

Conditions:
RAI1-related disorder. Also called: RAI1-related condition.

Allele frequency attached by ClinVar (database versions not stated): gnomAD 0.00012; ExAC 0.00054; 1000 Genomes Project 30x 0.00062; 1000 Genomes Project 0.00080.
gnomAD v4.1: 286 of 1,613,290 alleles (0.018%); highest among the groups gnomAD compares: South Asian, 0.31%; 7 homozygotes.

Submissions (2):

PreventionGenetics, part of Exact Sciences
Classification: Likely benign for RAI1-related condition. Last evaluated: 2026-05-21. Review status: criteria provided, single submitter. Criteria: ACMG Guidelines, 2015. Collection method: clinical testing. Allele origin: germline.
Comment: This variant is classified as likely benign based on ACMG/AMP sequence variant interpretation guidelines (Richards et al. 2015 PMID: 25741868, with internal and published modifications).

Labcorp Genetics (formerly Invitae), Labcorp
Classification: Benign. Last evaluated: 2025-01-18. Review status: criteria provided, single submitter. Criteria: Invitae Variant Classification Sherloc (09022015). Collection method: clinical testing. Allele origin: germline.